The following is an entry in ClinVar:

NM_001385641.1(SAMD11):c.715G>A (p.Gly239Arg)

Gene: SAMD11 (sterile alpha motif domain containing 11; plus strand). Cytogenetic location: 1p36.33.
Variant type: single nucleotide variant.
Coding change: c.715G>A on transcript NM_001385641.1 (MANE Select); coding-DNA position 715, G replaced by A.
Protein change: p.Gly239Arg; replaces glycine 239 with arginine.
Molecular consequence: missense variant.
Genome position (GRCh38, 1-based): chr1:930,260, G>A. VCF-style: chr1-930260-G-A. GRCh37 (hg19) VCF-style: chr1-865640-G-A.
Other names: c.715G>A, p.Gly239Arg (NM_001385640.1); c.178G>A, p.Gly60Arg (NM_152486.4); short protein forms G239R, G60R.
Identifiers: ClinVar variation 1499045 (VCV001499045.7), dbSNP rs749652698, ClinGen allele CA502442.

ClinVar aggregate classification (germline): Uncertain significance (1 of 4 stars; one submission).

Allele frequency attached by ClinVar (database versions not stated): TOPMed below 0.00001; gnomAD 0.00001.
gnomAD v4.1: 8 of 1,607,394 alleles (0.0005%); highest among the groups gnomAD compares: Admixed American, 0.0017%; no homozygotes.

Submission:

Labcorp Genetics (formerly Invitae), Labcorp
Classification: Uncertain significance. Last evaluated: 2022-07-19. Review status: criteria provided, single submitter. Criteria: Invitae Variant Classification Sherloc (09022015). Collection method: clinical testing. Allele origin: germline.
Comment: ClinVar contains an entry for this variant (Variation ID: 1499045). This variant has not been reported in the literature in individuals affected with SAMD11-related conditions. The frequency data for this variant in the population databases is considered unreliable, as metrics indicate poor data quality at this position in the gnomAD database. This sequence change replaces glycine, which is neutral and non-polar, with arginine, which is basic and polar, at codon 60 of the SAMD11 protein (p.Gly60Arg). Algorithms developed to predict the effect of missense changes on protein structure and function output the following: SIFT: "Tolerated"; PolyPhen-2: "Benign"; Align-GVGD: "Class C0". The arginine amino acid residue is found in multiple mammalian species, which suggests that this missense change does not adversely affect protein function. In summary, the available evidence is currently insufficient to determine the role of this variant in disease. Therefore, it has been classified as a Variant of Uncertain Significance.